The following is an entry in ClinVar:

ClinVar aggregate classification (germline): Uncertain significance (1 of 4 stars; one submission).

gnomAD v4.1: 1 of 1,612,202 alleles (0.000062%); highest among the groups gnomAD compares: Non-Finnish European, 0.000085%; no homozygotes.

Submission:

Ambry Genetics
Classification: Uncertain significance. Last evaluated: 2025-07-17. Review status: criteria provided, single submitter. Criteria: Ambry Variant Classification Scheme 2023. Collection method: clinical testing. Allele origin: germline.
Comment: The p.E149K variant (also known as c.445G>A), located in coding exon 3 of the RNF43 gene, results from a G to A substitution at nucleotide position 445. The glutamic acid at codon 149 is replaced by lysine, an amino acid with similar properties. This amino acid position is conserved. In addition, this alteration is predicted to be tolerated by in silico analysis. Based on the available evidence, the clinical significance of this variant remains unclear.

NM_017763.6(RNF43):c.445G>A (p.Glu149Lys)

Gene: RNF43 (ring finger protein 43; minus strand). Cytogenetic location: 17q22.
Variant type: single nucleotide variant.
Coding change: c.445G>A on transcript NM_017763.6 (MANE Select); coding-DNA position 445, G replaced by A.
Protein change: p.Glu149Lys; replaces glutamic acid 149 with lysine.
Molecular consequence: missense variant.
Genome position (GRCh38, 1-based): chr17:58,363,531, C>T on the plus strand (G>A on the coding strand, the complement: RNF43 is on the minus strand). VCF-style: chr17-58363531-C-T. GRCh37 (hg19) VCF-style: chr17-56440892-C-T.
Other names: c.445G>A, p.Glu149Lys (NM_001305544.3, NM_001438820.1, NM_001438821.1 and 1 more transcripts); c.64G>A, p.Glu22Lys (NM_001305545.2, NM_001437987.1); short protein forms E149K, E22K.
Identifiers: ClinVar variation 4155754 (VCV004155754.1).